The following is an entry in ClinVar:

NM_133642.5(LARGE1):c.1288-214G>A

Gene: LARGE1 (LARGE xylosyl- and glucuronyltransferase 1; minus strand). Cytogenetic location: 22q12.3.
Variant type: single nucleotide variant.
Coding change: c.1288-214G>A on transcript NM_133642.5 (MANE Select); 214 bases into the intron before coding-DNA position 1288, G replaced by A.
Molecular consequence: intron variant.
Genome position (GRCh38, 1-based): chr22:33,316,462, C>T on the plus strand (G>A on the coding strand, the complement: LARGE1 is on the minus strand). VCF-style: chr22-33316462-C-T. GRCh37 (hg19) VCF-style: chr22-33712448-C-T.
Other names: c.1288-214G>A (NM_001362953.2, NM_001362949.2, NM_001378627.1 and 6 more transcripts); c.1132-214G>A (NM_001378629.1); c.529-214G>A (NM_001378631.1); c.685-214G>A (NM_001378630.1).
Identifiers: ClinVar variation 683019 (VCV000683019.1), dbSNP rs2285105, ClinGen allele CA14938780.

ClinVar aggregate classification (germline): Benign (1 of 4 stars; one submission).

Allele frequency attached by ClinVar (database versions not stated): 1000 Genomes Project 30x 0.23189; 1000 Genomes Project 0.23323; TOPMed 0.27759; gnomAD 0.28953 and 0.29048.
gnomAD v4.1: 44,235 of 152,180 alleles (29%); highest among the groups gnomAD compares: Non-Finnish European, 38%; 7,188 homozygotes.

Submission:

GeneDx
Classification: Benign. Last evaluated: 2018-06-14. Review status: criteria provided, single submitter. Criteria: GeneDx Variant Classification (06012015). Collection method: clinical testing. Allele origin: germline. Affected: yes.
Comment: This variant is considered likely benign or benign based on one or more of the following criteria: it is a conservative change, it occurs at a poorly conserved position in the protein, it is predicted to be benign by multiple in silico algorithms, and/or has population frequency not consistent with disease.